The following is an entry in ClinVar:

NM_030958.3(SLCO5A1):c.454G>A (p.Val152Ile)

Gene: SLCO5A1 (solute carrier organic anion transporter family member 5A1; minus strand). Cytogenetic location: 8q13.3.
Variant type: single nucleotide variant.
Coding change: c.454G>A on transcript NM_030958.3 (MANE Select); coding-DNA position 454, G replaced by A.
Protein change: p.Val152Ile; replaces valine 152 with isoleucine.
Molecular consequence: missense variant.
Genome position (GRCh38, 1-based): chr8:69,832,220, C>T on the plus strand (G>A on the coding strand, the complement: SLCO5A1 is on the minus strand). VCF-style: chr8-69832220-C-T. GRCh37 (hg19) VCF-style: chr8-70744455-C-T.
Other names: c.454G>A, p.Val152Ile (NM_001146008.2, NM_001146009.1); short protein forms V152I.
Identifiers: ClinVar variation 2962322 (VCV002962322.3), dbSNP rs761242652, ClinGen allele CA4776807.

ClinVar aggregate classification (germline): Uncertain significance (1 of 4 stars; one submission).

Allele frequency attached by ClinVar (database versions not stated): ExAC 0.00001; gnomAD exomes 0.00001.

Submission:

Labcorp Genetics (formerly Invitae), Labcorp
Classification: Uncertain significance. Last evaluated: 2023-08-01. Review status: criteria provided, single submitter. Criteria: Invitae Variant Classification Sherloc (09022015). Collection method: clinical testing. Allele origin: germline.
Comment: In summary, the available evidence is currently insufficient to determine the role of this variant in disease. Therefore, it has been classified as a Variant of Uncertain Significance. An algorithm developed to predict the effect of missense changes on protein structure and function (PolyPhen-2) suggests that this variant is likely to be disruptive. This variant has not been reported in the literature in individuals affected with SLCO5A1-related conditions. This variant is present in population databases (rs761242652, gnomAD 0.0009%). This sequence change replaces valine, which is neutral and non-polar, with isoleucine, which is neutral and non-polar, at codon 152 of the SLCO5A1 protein (p.Val152Ile).